The following is an entry in ClinVar:

ClinVar aggregate classification (germline): Uncertain significance. Review status: criteria provided, multiple submitters, no conflicts (2 of 4 stars). 2 submissions from 2 submitters: Uncertain significance (2). Last evaluated 2023-04-26.

Conditions:
Autosomal recessive limb-girdle muscular dystrophy type 2A (LGMDR1). Also called: Limb-girdle muscular dystrophy, type 2A; Muscular dystrophy, limb-girdle, type 2A, Amish; LEYDEN-MOEBIUS MUSCULAR DYSTROPHY; MUSCULAR DYSTROPHY, PELVOFEMORAL; Calpainopathy. Identifiers: Orphanet 267, MedGen C1869123, MONDO:0009675, OMIM 253600. Disease mechanism: loss of function.

Allele frequency attached by ClinVar (database versions not stated): gnomAD exomes below 0.00001; TOPMed 0.00002; gnomAD 0.00003.
gnomAD v4.1: 6 of 1,614,026 alleles (0.00037%); highest among the groups gnomAD compares: African/African-American, 0.0067%; no homozygotes.

Submissions (2):

Labcorp Genetics (formerly Invitae), Labcorp
Classification: Uncertain significance for Autosomal recessive limb-girdle muscular dystrophy type 2A. Last evaluated: 2023-04-26. Review status: criteria provided, single submitter. Criteria: Invitae Variant Classification Sherloc (09022015). Collection method: clinical testing. Allele origin: germline.
Comment: In summary, the available evidence is currently insufficient to determine the role of this variant in disease. Therefore, it has been classified as a Variant of Uncertain Significance. Advanced modeling of protein sequence and biophysical properties (such as structural, functional, and spatial information, amino acid conservation, physicochemical variation, residue mobility, and thermodynamic stability) has been performed at Invitae for this missense variant, however the output from this modeling did not meet the statistical confidence thresholds required to predict the impact of this variant on CAPN3 protein function. ClinVar contains an entry for this variant (Variation ID: 595801). This variant has not been reported in the literature in individuals affected with CAPN3-related conditions. This variant is present in population databases (no rsID available, gnomAD 0.03%). This sequence change replaces serine, which is neutral and polar, with leucine, which is neutral and non-polar, at codon 302 of the CAPN3 protein (p.Ser302Leu).

Eurofins Ntd Llc (ga)
Classification: Uncertain significance. Last evaluated: 2018-01-22. Review status: criteria provided, single submitter. Criteria: EGL Classification Definitions 2015. Collection method: clinical testing. Allele origin: germline. Observed: 1 variant allele, 1 heterozygote.

NM_000070.3(CAPN3):c.905C>T (p.Ser302Leu)

Gene: CAPN3 (calpain 3; plus strand). Cytogenetic location: 15q15.1.
Variant type: single nucleotide variant.
Coding change: c.905C>T on transcript NM_000070.3 (MANE Select); coding-DNA position 905, C replaced by T.
Protein change: p.Ser302Leu; replaces serine 302 with leucine.
Molecular consequence: missense variant. On other transcripts: intron variant (1).
Genome position (GRCh38, 1-based): chr15:42,390,056, C>T. VCF-style: chr15-42390056-C-T. GRCh37 (hg19) VCF-style: chr15-42682254-C-T.
Other names: c.905C>T, p.Ser302Leu (NM_024344.2); c.801+960C>T (NM_173087.2); short protein forms S302L.
Identifiers: ClinVar variation 595801 (VCV000595801.8), dbSNP rs1223779045, ClinGen allele CA391998645.